The following is an entry in ClinVar:

ClinVar aggregate classification (germline): Likely benign. Review status: criteria provided, multiple submitters, no conflicts (2 of 4 stars). 2 submissions from 2 submitters: Likely benign (2). Last evaluated 2025-03-10.

Conditions:
Pheochromocytoma/paraganglioma syndrome 5. Also called: Paragangliomas 5; SDHA-Related Hereditary Paraganglioma-Pheochromocytoma Syndrome. Identifiers: Orphanet 29072, MedGen C3279992, MONDO:0013602, OMIM 614165.
Mitochondrial complex II deficiency, nuclear type 1. Also called: SUCCINATE CoQ REDUCTASE DEFICIENCY. Identifiers: Orphanet 3208, MedGen C5700310, MONDO:0100294, OMIM 252011.

Allele frequency attached by ClinVar (database versions not stated): gnomAD exomes below 0.00001.
gnomAD v4.1: 1 of 1,609,078 alleles (0.000062%); highest among the groups gnomAD compares: Non-Finnish European, 0.000085%; no homozygotes.

Submissions (2):

Myriad Genetics, Inc.
Classification: Likely benign for Pheochromocytoma/paraganglioma syndrome 5. Last evaluated: 2025-03-10. Review status: criteria provided, single submitter. Criteria: Myriad Autosomal Dominant, Autosomal Recessive and X-Linked Classification Criteria (2023). Collection method: clinical testing. Allele origin: unknown.
Comment: This variant is considered likely benign. This variant is intronic and is not expected to impact mRNA splicing.

Labcorp Genetics (formerly Invitae), Labcorp
Classification: Likely benign for Pheochromocytoma/paraganglioma syndrome 5; Mitochondrial complex II deficiency, nuclear type 1. Last evaluated: 2021-09-10. Review status: criteria provided, single submitter. Criteria: Invitae Variant Classification Sherloc (09022015). Collection method: clinical testing. Allele origin: germline.

NM_004168.4(SDHA):c.1552-12T>C

Gene: SDHA (succinate dehydrogenase complex flavoprotein subunit A; plus strand). Cytogenetic location: 5p15.33.
Variant type: single nucleotide variant.
Coding change: c.1552-12T>C on transcript NM_004168.4 (MANE Select); 12 bases into the intron before coding-DNA position 1552, T replaced by C.
Molecular consequence: intron variant.
Genome position (GRCh38, 1-based): chr5:250,980, T>C. VCF-style: chr5-250980-T-C. GRCh37 (hg19) VCF-style: chr5-251095-T-C.
Other names: c.1552-3413T>C (NM_001330758.2); c.1408-12T>C (NM_001294332.2).
Identifiers: ClinVar variation 1603871 (VCV001603871.9), dbSNP rs2126631871, ClinGen allele CA2573139507.